The following is an entry in ClinVar:

NM_001130823.3(DNMT1):c.3143C>T (p.Pro1048Leu)

Gene: DNMT1 (DNA methyltransferase 1; minus strand). Cytogenetic location: 19p13.2.
Variant type: single nucleotide variant.
Coding change: c.3143C>T on transcript NM_001130823.3 (MANE Select); coding-DNA position 3143, C replaced by T.
Protein change: p.Pro1048Leu; replaces proline 1048 with leucine.
Molecular consequence: missense variant.
Genome position (GRCh38, 1-based): chr19:10,142,194, G>A on the plus strand (C>T on the coding strand, the complement: DNMT1 is on the minus strand). VCF-style: chr19-10142194-G-A. GRCh37 (hg19) VCF-style: chr19-10252870-G-A.
Other names: c.3095C>T, p.Pro1032Leu (NM_001318730.2, NM_001379.4); c.2780C>T, p.Pro927Leu (NM_001318731.2); short protein forms P1048L, P927L, P1032L.
Identifiers: ClinVar variation 1514111 (VCV001514111.8), dbSNP rs2145270506, ClinGen allele CA403975500.

ClinVar aggregate classification (germline): Uncertain significance. Review status: criteria provided, multiple submitters, no conflicts (2 of 4 stars). 2 submissions from 2 submitters: Uncertain significance (2). Last evaluated 2021-11-29.

Conditions:
Inborn genetic diseases. Identifiers: MedGen C0950123, MeSH D030342.
Hereditary sensory neuropathy-deafness-dementia syndrome. Also called: HSN IE; Hereditary sensory neuropathy type IE; NEUROPATHY, HEREDITARY SENSORY, WITH HEARING LOSS AND DEMENTIA; Hereditary Sensory and Autonomic Neuropathy Type 1E (HSAN1E). Identifiers: Orphanet 456318, MedGen C3279885, MONDO:0013584, OMIM 614116.

Allele frequency attached by ClinVar (database versions not stated): gnomAD exomes below 0.00001.

Submissions (2):

Labcorp Genetics (formerly Invitae), Labcorp
Classification: Uncertain significance for Hereditary sensory neuropathy-deafness-dementia syndrome. Last evaluated: 2021-11-29. Review status: criteria provided, single submitter. Criteria: Invitae Variant Classification Sherloc (09022015). Collection method: clinical testing. Allele origin: germline.
Comment: This variant has not been reported in the literature in individuals affected with DNMT1-related conditions. This sequence change replaces proline, which is neutral and non-polar, with leucine, which is neutral and non-polar, at codon 1048 of the DNMT1 protein (p.Pro1048Leu). This variant is not present in population databases (gnomAD no frequency). Algorithms developed to predict the effect of missense changes on protein structure and function output the following: SIFT: "Tolerated"; PolyPhen-2: "Benign"; Align-GVGD: "Class C0". The leucine amino acid residue is found in multiple mammalian species, which suggests that this missense change does not adversely affect protein function. In summary, the available evidence is currently insufficient to determine the role of this variant in disease. Therefore, it has been classified as a Variant of Uncertain Significance.

Ambry Genetics
Classification: Uncertain significance for Inborn genetic diseases. Last evaluated: 2021-06-18. Review status: criteria provided, single submitter. Criteria: Ambry Variant Classification Scheme 2023. Collection method: clinical testing. Allele origin: germline.
Comment: The p.P1032L variant (also known as c.3095C>T), located in coding exon 29 of the DNMT1 gene, results from a C to T substitution at nucleotide position 3095. The proline at codon 1032 is replaced by leucine, an amino acid with similar properties. This amino acid position is not well conserved in available vertebrate species, and leucine is the reference amino acid in other vertebrate species. In addition, this alteration is predicted to be tolerated by in silico analysis. Since supporting evidence is limited at this time, the clinical significance of this alteration remains unclear.